The following is an entry in ClinVar:

ClinVar aggregate classification (germline): Likely benign (1 of 4 stars; one submission).

Allele frequency attached by ClinVar (database versions not stated): gnomAD 0.00019 and 0.00029; TOPMed 0.00024; 1000 Genomes Project 0.00200; 1000 Genomes Project 30x 0.00219.

Submission:

GeneDx
Classification: Likely benign. Last evaluated: 2018-02-06. Review status: criteria provided, single submitter. Criteria: GeneDx Variant Classification (06012015). Collection method: clinical testing. Allele origin: germline. Affected: yes.
Comment: This variant is considered likely benign or benign based on one or more of the following criteria: it is a conservative change, it occurs at a poorly conserved position in the protein, it is predicted to be benign by multiple in silico algorithms, and/or has population frequency not consistent with disease.

NM_016077.5(PTRH2):c.-16A>G

Gene: PTRH2 (peptidyl-tRNA hydrolase 2; minus strand). Cytogenetic location: 17q23.1.
Variant type: single nucleotide variant.
Coding change: c.-16A>G on transcript NM_016077.5 (MANE Select); 16 bases upstream of the start codon, A replaced by G.
Molecular consequence: 5 prime UTR variant.
Genome position (GRCh38, 1-based): chr17:59,707,386, T>C on the plus strand (A>G on the coding strand, the complement: PTRH2 is on the minus strand). VCF-style: chr17-59707386-T-C. GRCh37 (hg19) VCF-style: chr17-57784747-T-C.
Other names: c.-1332A>G (NM_001015509.3).
Identifiers: ClinVar variation 514790 (VCV000514790.1), dbSNP rs117588133, ClinGen allele CA292137321.